The following is an entry in ClinVar:

NC_000012.11:g.(?_110013783)_(110013970_?)del

Gene: MVK (mevalonate kinase; plus strand). Cytogenetic location: 12q24.11.
Variant type: Deletion.
Identifiers: ClinVar variation 1460450 (VCV001460450.4).

ClinVar aggregate classification (germline): Pathogenic (1 of 4 stars; one submission).

Conditions:
Hyperimmunoglobulin D with periodic fever (HIDS). Also called: Hyperimmunoglobulinemia D with periodic fever; HYPERIMMUNOGLOBULINEMIA D AND PERIODIC FEVER SYNDROME; Hyperimmunoglobulinemia D. Identifiers: Orphanet 343, MedGen C0398691, MONDO:0009849, OMIM 260920.
Porokeratosis 3, disseminated superficial actinic type (POROK3). Also called: POROKERATOSIS 3, MULTIPLE TYPES; POROKERATOSIS 3, MIBELLI TYPE; POROKERATOSIS, DISSEMINATED SUPERFICIAL ACTINIC, 1. Identifiers: MedGen C1867981, MONDO:0008293, OMIM 175900.
Mevalonic aciduria (MEVA). Identifiers: Orphanet 29, MedGen C1959626, MONDO:0012481, OMIM 610377.

Submission:

Labcorp Genetics (formerly Invitae), Labcorp
Classification: Pathogenic for Mevalonic aciduria; Hyperimmunoglobulin D with periodic fever; Porokeratosis 3, disseminated superficial actinic type. Last evaluated: 2023-08-01. Review status: criteria provided, single submitter. Criteria: Invitae Variant Classification Sherloc (09022015). Collection method: clinical testing. Allele origin: germline.
Comment: For these reasons, this variant has been classified as Pathogenic. A similar copy number variant has been observed in individual(s) with hyper IgD syndrome (PMID: 13130485). This variant is a gross deletion of the genomic region encompassing exon(s) 3 of the MVK gene. This deletion is out-of-frame, and is expected to create a premature termination codon and result in an absent or disrupted protein product. Loss-of-function variants in MVK are known to be pathogenic (PMID: 16835861, 17105862, 23834120).

Literature cited by the submitters: PubMed 13130485; PubMed 16835861; PubMed 17105862; PubMed 23834120.